The following is an entry in ClinVar:

ClinVar aggregate classification (germline): Likely benign. Review status: criteria provided, multiple submitters, no conflicts (2 of 4 stars). 2 submissions from 2 submitters: Likely benign (2). Last evaluated 2026-05-01.

Allele frequency attached by ClinVar (database versions not stated): ExAC 0.00001; gnomAD exomes 0.00002; gnomAD 0.00003; TOPMed 0.00006; ESP Exome Variant Server 0.00008; 1000 Genomes Project 30x 0.00016; 1000 Genomes Project 0.00020.
gnomAD v4.1: 36 of 1,614,128 alleles (0.0022%); highest among the groups gnomAD compares: East Asian, 0.0045%; no homozygotes.

Submissions (2):

CeGaT Center for Human Genetics Tuebingen
Classification: Likely benign. Last evaluated: 2026-05-01. Review status: criteria provided, single submitter. Criteria: CeGaT Center For Human Genetics Tuebingen Variant Classification Criteria Version 2. Collection method: clinical testing. Allele origin: germline. Affected: yes. Observed: 1 variant allele.
Comment: TCF20: BP4, BP7

Labcorp Genetics (formerly Invitae), Labcorp
Classification: Likely benign. Last evaluated: 2024-06-12. Review status: criteria provided, single submitter. Criteria: Invitae Variant Classification Sherloc (09022015). Collection method: clinical testing. Allele origin: germline.

NM_001378418.1(TCF20):c.2322G>A (p.Glu774=)

Gene: TCF20 (transcription factor 20; minus strand). Cytogenetic location: 22q13.2.
Variant type: single nucleotide variant.
Coding change: c.2322G>A on transcript NM_001378418.1 (MANE Select); coding-DNA position 2322, G replaced by A.
Protein change: p.Glu774=; no amino-acid change (glutamic acid 774 retained).
Molecular consequence: synonymous variant.
Genome position (GRCh38, 1-based): chr22:42,212,984, C>T on the plus strand (G>A on the coding strand, the complement: TCF20 is on the minus strand). VCF-style: chr22-42212984-C-T. GRCh37 (hg19) VCF-style: chr22-42608990-C-T.
Other names: c.2322G>A, p.Glu774= (NM_005650.4, NM_181492.3).
Identifiers: ClinVar variation 3023351 (VCV003023351.5), dbSNP rs140856018, ClinGen allele CA10267033.
Genomic context (GRCh38, chr22:42,212,984, plus strand): 5'-TTGACTAACCAAGACATTGGGCCTTGTGGTTCCTTCTAGGCTACCAGCCATCCCCTGATG[C>T]TCTTGAGTACTCCTAGAATATCTCCTGTCAGGGTGGTGGTGGTAACCCTGAAGCACTTCC-3'
Protein context (NP_001365347.1, residues 764-784): PDRRYSRSTQ[Glu774=]HQGMAGSLEG